The following is an entry in ClinVar:

NM_001083614.2(EARS2):c.455A>T (p.Lys152Met)

Gene: EARS2 (glutamyl-tRNA synthetase 2, mitochondrial; minus strand). Cytogenetic location: 16p12.2.
Variant type: single nucleotide variant.
Coding change: c.455A>T on transcript NM_001083614.2 (MANE Select); coding-DNA position 455, A replaced by T.
Protein change: p.Lys152Met; replaces lysine 152 with methionine.
Molecular consequence: missense variant. On other transcripts: non-coding transcript variant (1).
Genome position (GRCh38, 1-based): chr16:23,544,544, T>A on the plus strand (A>T on the coding strand, the complement: EARS2 is on the minus strand). VCF-style: chr16-23544544-T-A. GRCh37 (hg19) VCF-style: chr16-23555865-T-A.
Other names: c.455A>T, p.Lys152Met (NM_001308211.1); short protein forms K152M.
Identifiers: ClinVar variation 1408606 (VCV001408606.6), dbSNP rs2142184723, ClinGen allele CA395138402.

ClinVar aggregate classification (germline): Uncertain significance (1 of 4 stars; one submission).

Submission:

Labcorp Genetics (formerly Invitae), Labcorp
Classification: Uncertain significance. Last evaluated: 2023-07-17. Review status: criteria provided, single submitter. Criteria: Invitae Variant Classification Sherloc (09022015). Collection method: clinical testing. Allele origin: germline.
Comment: Advanced modeling of protein sequence and biophysical properties (such as structural, functional, and spatial information, amino acid conservation, physicochemical variation, residue mobility, and thermodynamic stability) performed at Invitae indicates that this missense variant is expected to disrupt EARS2 protein function. In summary, the available evidence is currently insufficient to determine the role of this variant in disease. Therefore, it has been classified as a Variant of Uncertain Significance. This sequence change replaces lysine, which is basic and polar, with methionine, which is neutral and non-polar, at codon 152 of the EARS2 protein (p.Lys152Met). This variant is not present in population databases (gnomAD no frequency). This variant has not been reported in the literature in individuals affected with EARS2-related conditions. ClinVar contains an entry for this variant (Variation ID: 1408606).